The following is an entry in ClinVar:

ClinVar aggregate classification (germline): Uncertain significance. Review status: criteria provided, multiple submitters, no conflicts (2 of 4 stars). 2 submissions from 2 submitters: Uncertain significance (2). Last evaluated 2025-10-10.

Conditions:
Hereditary cancer-predisposing syndrome. Also called: Neoplastic Syndromes, Hereditary; Tumor predisposition; Hereditary Cancer Syndrome; Hereditary neoplastic syndrome. Identifiers: Orphanet 140162, MedGen C0027672, MeSH D009386, MONDO:0015356.
Gastrointestinal stromal tumor. Also called: Gastrointestinal stromal tumor, somatic; Gastrointestinal stroma tumor. Identifiers: Orphanet 44890, MedGen C0238198, MeSH D046152, MONDO:0011719, OMIM 606764, HP:0100723.

Allele frequency attached by ClinVar (database versions not stated): gnomAD exomes below 0.00001.
gnomAD v4.1: 3 of 1,605,892 alleles (0.00019%); highest among the groups gnomAD compares: East Asian, 0.0022%; no homozygotes.

Submissions (2):

Labcorp Genetics (formerly Invitae), Labcorp
Classification: Uncertain significance for Gastrointestinal stromal tumor. Last evaluated: 2025-10-10. Review status: criteria provided, single submitter. Criteria: Invitae Variant Classification Sherloc (09022015). Collection method: clinical testing. Allele origin: germline.
Comment: This sequence change replaces isoleucine, which is neutral and non-polar, with threonine, which is neutral and polar, at codon 949 of the PDGFRA protein (p.Ile949Thr). This variant is not present in population databases (gnomAD no frequency). This variant has not been reported in the literature in individuals affected with PDGFRA-related conditions. ClinVar contains an entry for this variant (Variation ID: 1796775). Invitae Evidence Modeling of protein sequence and biophysical properties (such as structural, functional, and spatial information, amino acid conservation, physicochemical variation, residue mobility, and thermodynamic stability) indicates that this missense variant is not expected to disrupt PDGFRA protein function with a negative predictive value of 80%. In summary, the available evidence is currently insufficient to determine the role of this variant in disease. Therefore, it has been classified as a Variant of Uncertain Significance.

Ambry Genetics
Classification: Uncertain significance for Hereditary cancer-predisposing syndrome. Last evaluated: 2025-09-10. Review status: criteria provided, single submitter. Criteria: Ambry Variant Classification Scheme 2023. Collection method: clinical testing. Allele origin: germline.
Comment: The p.I949T variant (also known as c.2846T>C), located in coding exon 20 of the PDGFRA gene, results from a T to C substitution at nucleotide position 2846. The isoleucine at codon 949 is replaced by threonine, an amino acid with similar properties. This amino acid position is conserved. In addition, this alteration is predicted to be tolerated by in silico analysis. Since supporting evidence is limited at this time, the clinical significance of this alteration remains unclear.

NM_006206.6(PDGFRA):c.2846T>C (p.Ile949Thr)

Gene: PDGFRA (platelet derived growth factor receptor alpha; plus strand). Cytogenetic location: 4q12.
Variant type: single nucleotide variant.
Coding change: c.2846T>C on transcript NM_006206.6 (MANE Select); coding-DNA position 2846, T replaced by C.
Protein change: p.Ile949Thr; replaces isoleucine 949 with threonine.
Molecular consequence: missense variant.
Genome position (GRCh38, 1-based): chr4:54,289,080, T>C. VCF-style: chr4-54289080-T-C. GRCh37 (hg19) VCF-style: chr4-55155247-T-C.
Other names: c.2921T>C, p.Ile974Thr (NM_001347828.2); c.2846T>C, p.Ile949Thr (NM_001347829.2); c.2885T>C, p.Ile962Thr (NM_001347830.2); short protein forms I962T, I949T, I974T.
Identifiers: ClinVar variation 1796775 (VCV001796775.4), dbSNP rs2475561162, ClinGen allele CA356895815.